The following is an entry in ClinVar:

ClinVar aggregate classification (germline): Uncertain significance (1 of 4 stars; one submission).

Conditions:
Inborn genetic diseases. Identifiers: MedGen C0950123, MeSH D030342.

gnomAD v4.1: 1 of 1,614,178 alleles (0.000062%); highest among the groups gnomAD compares: Middle Eastern, 0.016%; no homozygotes.

Submission:

Ambry Genetics
Classification: Uncertain significance for Inborn genetic diseases. Last evaluated: 2025-03-28. Review status: criteria provided, single submitter. Criteria: Ambry Variant Classification Scheme 2023. Collection method: clinical testing. Allele origin: germline.
Comment: The p.T575S variant (also known as c.1723A>T), located in coding exon 12 of the BMPR2 gene, results from an A to T substitution at nucleotide position 1723. The threonine at codon 575 is replaced by serine, an amino acid with similar properties. This amino acid position is conserved. In addition, this alteration is predicted to be tolerated by in silico analysis. Based on the available evidence, the clinical significance of this variant remains unclear.

NM_001204.7(BMPR2):c.1723A>T (p.Thr575Ser)

Gene: BMPR2 (bone morphogenetic protein receptor type 2; plus strand). Cytogenetic location: 2q33.2.
Variant type: single nucleotide variant.
Coding change: c.1723A>T on transcript NM_001204.7 (MANE Select); coding-DNA position 1723, A replaced by T.
Protein change: p.Thr575Ser; replaces threonine 575 with serine.
Molecular consequence: missense variant.
Genome position (GRCh38, 1-based): chr2:202,555,388, A>T. VCF-style: chr2-202555388-A-T. GRCh37 (hg19) VCF-style: chr2-203420111-A-T.
Other names: short protein forms T575S.
Identifiers: ClinVar variation 3992069 (VCV003992069.1).